The following is an entry in ClinVar:

NM_004656.4(BAP1):c.1673_1675del (p.Ser558del)

Gene: BAP1 (BRCA1 associated deubiquitinase 1; minus strand). Cytogenetic location: 3p21.1.
Variant type: Deletion.
Coding change: c.1673_1675del on transcript NM_004656.4 (MANE Select); coding-DNA positions 1673 to 1675, 3 bases deleted (GCA; older notation c.1673_1675delGCA).
Protein change: p.Ser558del; deletes serine 558.
Molecular consequence: inframe deletion. On other transcripts: inframe indel (1).
Genome position (GRCh38, 1-based): chr3:52,403,470-52,403,472, TGC deleted on the plus strand (GCA on the coding strand, the reverse complement: BAP1 is on the minus strand); deleting any 3 consecutive bases within chr3:52,403,470-52,403,474 gives the same sequence; the c. name uses the placement nearest the transcript's 3' end. VCF-style (leftmost placement, unchanged base first): chr3-52403469-GTGC-G. GRCh37 (hg19) VCF-style: chr3-52437485-GTGC-G.
Other names: c.1617_1619delCAG, p.Ser540del (NM_001410772.1); short protein forms S540del, S558del.
Identifiers: ClinVar variation 2093671 (VCV002093671.4), dbSNP rs2471327127, ClinGen allele CA2580070226.

ClinVar aggregate classification (germline): Uncertain significance (1 of 4 stars; one submission).

Conditions:
BAP1-related tumor predisposition syndrome (TPDS1). Also called: COMMON Syndrome; TUMOR PREDISPOSITION SYNDROME 1; Tumor susceptibility linked to germline BAP1 mutations; BAP1 tumor predisposition syndrome. Identifiers: Orphanet 289539, MedGen C3280492, MONDO:0013692, OMIM 614327.

Submission:

Labcorp Genetics (formerly Invitae), Labcorp
Classification: Uncertain significance for BAP1-related tumor predisposition syndrome. Last evaluated: 2022-02-06. Review status: criteria provided, single submitter. Criteria: Invitae Variant Classification Sherloc (09022015). Collection method: clinical testing. Allele origin: germline.
Comment: Experimental studies and prediction algorithms are not available or were not evaluated, and the functional significance of this variant is currently unknown. In summary, the available evidence is currently insufficient to determine the role of this variant in disease. Therefore, it has been classified as a Variant of Uncertain Significance. This variant has not been reported in the literature in individuals affected with BAP1-related conditions. This variant is not present in population databases (gnomAD no frequency). This variant, c.1673_1675del, results in the deletion of 1 amino acid(s) of the BAP1 protein (p.Ser558del), but otherwise preserves the integrity of the reading frame.